The following is an entry in ClinVar:

NM_000094.4(COL7A1):c.7509_7519del (p.Arg2504fs)

Gene: COL7A1 (collagen type VII alpha 1 chain; minus strand). Cytogenetic location: 3p21.31.
Variant type: Deletion.
Coding change: c.7509_7519del on transcript NM_000094.4 (MANE Select); coding-DNA positions 7509 to 7519, 11 bases deleted (GCGTGGGGAGA).
Protein change: p.Arg2504fs; shifts the reading frame from arginine 2504.
Molecular consequence: frameshift variant.
Genome position (GRCh38, 1-based): chr3:48,569,882-48,569,892, TCTCCCCACGC deleted on the plus strand (GCGTGGGGAGA on the coding strand, the reverse complement: COL7A1 is on the minus strand); deleting any 11 consecutive bases within chr3:48,569,882-48,569,899 gives the same sequence; the c. name uses the placement nearest the transcript's 3' end. VCF-style (leftmost placement, unchanged base first): chr3-48569881-TTCTCCCCACGC-T. GRCh37 (hg19) VCF-style: chr3-48607314-TTCTCCCCACGC-T.
Other names: short protein forms R2504fs.
Identifiers: ClinVar variation 5015547 (VCV005015547.1).

ClinVar aggregate classification (germline): Pathogenic (1 of 4 stars; one submission).

Conditions:
Recessive dystrophic epidermolysis bullosa (RDEB). Also called: DYSTROPHIC EPIDERMOLYSIS BULLOSA, AUTOSOMAL RECESSIVE; EPIDERMOLYSIS BULLOSA DYSTROPHICA, HALLOPEAU-SIEMENS TYPE; Hallopeau-Siemens Disease; severe generalized recessive dystrophic epidermolysis bullosa; EPIDERMOLYSIS BULLOSA DYSTROPHICA, GENERALIZED SEVERE, AUTOSOMAL RECESSIVE; Epidermolysis Bullosa Distrophica Autosomal Recessive (RDEB). Identifiers: Orphanet 79408, Orphanet 79409, MedGen C0079474, MONDO:0009179, OMIM 226600.

Submission:

Myriad Genetics, Inc.
Classification: Pathogenic for Recessive dystrophic epidermolysis bullosa. Last evaluated: 2026-02-12. Review status: criteria provided, single submitter. Criteria: Myriad Autosomal Dominant, Autosomal Recessive and X-Linked Classification Criteria (2023). Collection method: clinical testing. Allele origin: unknown.
Comment: NM_000094.3(COL7A1):c.7509_7519del11(R2504Gfs*2) is expected to be pathogenic in the context of dystrophic epidermolysis bullosa. This variant is predicted to lead to an abnormal or absent protein product due to the creation of a premature termination codon in COL7A1, a gene where loss-of-function variants are known to be pathogenic. Please note: this variant was assessed in the context of healthy population screening.